The following is an entry in ClinVar:

ClinVar aggregate classification (germline): Uncertain significance (1 of 4 stars; one submission).

Submission:

Ambry Genetics
Classification: Uncertain significance. Last evaluated: 2022-10-20. Review status: criteria provided, single submitter. Criteria: Ambry Variant Classification Scheme 2023. Collection method: clinical testing. Allele origin: germline.
Comment: The p.V164G variant (also known as c.491T>G), located in coding exon 4 of the POLQ gene, results from a T to G substitution at nucleotide position 491. The valine at codon 164 is replaced by glycine, an amino acid with dissimilar properties. This amino acid position is conserved. In addition, this alteration is predicted to be tolerated by in silico analysis. Since supporting evidence is limited at this time, the clinical significance of this alteration remains unclear.

NM_199420.4(POLQ):c.491T>G (p.Val164Gly)

Gene: POLQ (DNA polymerase theta; minus strand). Cytogenetic location: 3q13.33.
Variant type: single nucleotide variant.
Coding change: c.491T>G on transcript NM_199420.4 (MANE Select); coding-DNA position 491, T replaced by G.
Protein change: p.Val164Gly; replaces valine 164 with glycine.
Molecular consequence: missense variant.
Genome position (GRCh38, 1-based): chr3:121,539,573, A>C on the plus strand (T>G on the coding strand, the complement: POLQ is on the minus strand). VCF-style: chr3-121539573-A-C. GRCh37 (hg19) VCF-style: chr3-121258420-A-C.
Other names: short protein forms V164G.
Identifiers: ClinVar variation 1744117 (VCV001744117.2), dbSNP rs1560110127, ClinGen allele CA354091460.